The following is an entry in ClinVar:

NM_003823.4(TNFRSF6B):c.377G>A (p.Cys126Tyr)

Genes: RTEL1-TNFRSF6B (RTEL1-TNFRSF6B readthrough (NMD candidate); plus strand), TNFRSF6B (TNF receptor superfamily member 6b; plus strand). Cytogenetic location: 20q13.33.
Variant type: single nucleotide variant.
Coding change: c.377G>A on transcript NM_003823.4 (MANE Select); coding-DNA position 377, G replaced by A.
Protein change: p.Cys126Tyr; replaces cysteine 126 with tyrosine.
Molecular consequence: missense variant. On other transcripts: non-coding transcript variant (1).
Genome position (GRCh38, 1-based): chr20:63,697,144, G>A. VCF-style: chr20-63697144-G-A. GRCh37 (hg19) VCF-style: chr20-62328497-G-A.
Other names: short protein forms C126Y.
Identifiers: ClinVar variation 3351090 (VCV003351090.3).
Genomic context (GRCh38, chr20:63,697,144, plus strand): 5'-ACGCCACCCACAACCGTGCCTGCCGCTGCCGCACCGGCTTCTTCGCGCACGCTGGTTTCT[G>A]CTTGGAGCACGCATCGTGTCCACCTGGTGCCGGCGTGATTGCCCCGGGTGAGAGCTGGGC-3'
Protein context (NP_003814.1, residues 116-136): RTGFFAHAGF[Cys126Tyr]LEHASCPPGA

ClinVar aggregate classification (germline): Uncertain significance. Review status: criteria provided, single submitter (1 of 4 stars). 2 submissions from 2 submitters: Uncertain significance (1). 1 of the submissions does not count toward it. Last evaluated 2025-05-21.

Conditions:
TNFRSF6B-related disorder. Also called: TNFRSF6B-related condition.

Submissions (2):

Labcorp Genetics (formerly Invitae), Labcorp
Classification: Uncertain significance. Last evaluated: 2025-05-21. Review status: criteria provided, single submitter. Criteria: Invitae Variant Classification Sherloc (09022015). Collection method: clinical testing. Allele origin: germline.
Comment: This sequence change replaces cysteine, which is neutral and slightly polar, with tyrosine, which is neutral and polar, at codon 126 of the TNFRSF6B protein (p.Cys126Tyr). This variant is present in population databases (rs778047049, gnomAD 0.004%). This variant has not been reported in the literature in individuals affected with TNFRSF6B-related conditions. ClinVar contains an entry for this variant (Variation ID: 3351090). An algorithm developed to predict the effect of missense changes on protein structure and function (PolyPhen-2) suggests that this variant is likely to be disruptive. In summary, the available evidence is currently insufficient to determine the role of this variant in disease. Therefore, it has been classified as a Variant of Uncertain Significance.

PreventionGenetics, part of Exact Sciences
Classification: Uncertain significance for TNFRSF6B-related condition. Last evaluated: 2024-06-28. Review status: no assertion criteria provided. Collection method: clinical testing. Allele origin: germline. Not counted in ClinVar's aggregate classification.
Comment: The TNFRSF6B c.377G>A variant is predicted to result in the amino acid substitution p.Cys126Tyr. To our knowledge, this variant has not been reported in the literature. This variant is reported in 0.0042% of alleles in individuals of European (Non-Finnish) descent in gnomAD. At this time, the clinical significance of this variant is uncertain due to the absence of conclusive functional and genetic evidence.